The following is an entry in ClinVar:

ClinVar aggregate classification (germline): Pathogenic/Likely pathogenic. Review status: criteria provided, multiple submitters, no conflicts (2 of 4 stars). 2 submissions from 2 submitters: Pathogenic (1); Likely pathogenic (1). Last evaluated 2024-01-08.

Conditions:
X-linked Alport syndrome (ATS1). Also called: NEPHROPATHY AND DEAFNESS, X-LINKED; COL4A5-Related Nephropathy. Identifiers: Orphanet 63, Orphanet 88917, MedGen C4746986, MONDO:0010520, OMIM 301050.

Submissions (3):

Fulgent Genetics
Classification: Pathogenic for X-linked Alport syndrome. Last evaluated: 2024-01-08. Review status: criteria provided, single submitter. Criteria: ACMG Guidelines, 2015. Collection method: clinical testing. Allele origin: germline.

GeneDx
Classification: Likely pathogenic. Last evaluated: 2022-01-13. Review status: criteria provided, single submitter. Criteria: GeneDx Variant Classification Process June 2021. Collection method: clinical testing. Allele origin: germline. Affected: yes.
Comment: Canonical splice site variant predicted to result in in-frame deletion within a critical region. Variant damages or destroys the canonical splice donor site in intron 6, and is expected to cause abnormal gene splicing; if the splice outcome is exon skip, the loss of the encoded residues in the triple helical region is expected to disrupt normal protein folding and function; Not observed at significant frequency in large population cohorts (gnomAD); This variant is associated with the following publications: (PMID: 35005319, 24337245)

Dr. Peter K. Rogan Lab, Western University
No classification provided (evidence only). Condition: Nonpapillary renal cell carcinoma. Review status: no classification provided. Collection method: in vitro. Allele origin: not applicable. Functional consequence: retained intron. Not counted in ClinVar's aggregate classification.

NM_033380.3(COL4A5):c.384+1G>A

Gene: COL4A5 (collagen type IV alpha 5 chain; plus strand). Cytogenetic location: Xq22.3.
Variant type: single nucleotide variant.
Coding change: c.384+1G>A on transcript NM_033380.3 (MANE Select); the canonical splice donor site of the intron after coding-DNA position 384, G replaced by A.
Molecular consequence: splice donor variant.
Genome position (GRCh38, 1-based): chrX:108,568,822, G>A. VCF-style: chrX-108568822-G-A. GRCh37 (hg19) VCF-style: chrX-107812052-G-A.
Other names: NC_000023.10:g.107812052G>A; c.384+1G>A (NM_000495.5).
Identifiers: ClinVar variation 1697087 (VCV001697087.4), dbSNP rs1569488437, ClinGen allele CA413918682.
Genomic context (GRCh38, chrX:108,568,822, plus strand): 5'-ATGCCAGGCCACGATGGGGCCCCAGGACCTCAAGGTATTCCCGGATGCAATGGAACCAAG[G>A]TGAGATCCATCCATTTAATCTTGGGTAGTATACTTGACAATAATTAACTTAAAAACCTAA-3'